The following is an entry in ClinVar:

ClinVar aggregate classification (germline): Uncertain significance (1 of 4 stars; one submission).

Submission:

Ambry Genetics
Classification: Uncertain significance. Last evaluated: 2023-05-14. Review status: criteria provided, single submitter. Criteria: Ambry Variant Classification Scheme 2023. Collection method: clinical testing. Allele origin: germline.
Comment: The p.R379S variant (also known as c.1137A>T), located in coding exon 3 of the PALLD gene, results from an A to T substitution at nucleotide position 1137. The arginine at codon 379 is replaced by serine, an amino acid with dissimilar properties. This amino acid position is conserved. In addition, this alteration is predicted to be tolerated by in silico analysis. Since supporting evidence is limited at this time, the clinical significance of this alteration remains unclear.

NM_001166108.2(PALLD):c.1137A>T (p.Arg379Ser)

Gene: PALLD (palladin, cytoskeletal associated protein; plus strand). Cytogenetic location: 4q32.3.
Variant type: single nucleotide variant.
Coding change: c.1137A>T on transcript NM_001166108.2 (MANE Select); coding-DNA position 1137, A replaced by T.
Protein change: p.Arg379Ser; replaces arginine 379 with serine.
Molecular consequence: missense variant. On other transcripts: 5 prime UTR variant (1).
Genome position (GRCh38, 1-based): chr4:168,681,381, A>T. VCF-style: chr4-168681381-A-T. GRCh37 (hg19) VCF-style: chr4-169602532-A-T.
Other names: c.-10A>T (NM_001166109.2); c.1137A>T, p.Arg379Ser (NM_016081.4); short protein forms R379S.
Identifiers: ClinVar variation 2563415 (VCV002563415.2), dbSNP rs2531574152, ClinGen allele CA358794090.
Genomic context (GRCh38, chr4:168,681,381, plus strand): 5'-TACTTTCCCAGGTGCCAGTTCAACAGATTCTGACAGTGAAAGTTTAGCTTTCAAATCAAG[A>T]GCTGGAGCTATGCCACAGTAAGTGCCTACAATTCCATCGATTATGTGGAAACAAAGAATG-3'
Protein context (NP_001159580.1, residues 369-389): SDSESLAFKS[Arg379Ser]AGAMPQAQKK